The following is an entry in ClinVar:

ClinVar aggregate classification (germline): Likely pathogenic (1 of 4 stars; one submission).

Conditions:
GTP cyclohydrolase I deficiency. Identifiers: MedGen C0268467, MONDO:0100184.

Allele frequency attached by ClinVar (database versions not stated): gnomAD exomes below 0.00001.
gnomAD v4.1: 1 of 1,609,886 alleles (0.000062%); highest among the groups gnomAD compares: South Asian, 0.0011%; no homozygotes.

Submission:

Foundation for Research in Genetics and Endocrinology, FRIGE's Institute of Human Genetics
Classification: Likely pathogenic for GTP cyclohydrolase I deficiency with hyperphenylalaninemia. Last evaluated: 2019-04-18. Review status: criteria provided, single submitter. Criteria: ACMG Guidelines, 2015. Collection method: clinical testing. Allele origin: germline. Inheritance: Autosomal recessive inheritance. Affected: yes. Observed: 1 homozygote.
Comment: This variant has previously been reported in an Indian family with an autosomal recessive inheritance. MRI had shown symmetric diffusion restriction in dorsal brain stem and cerebellar white matter, peri gyral ductal grey matter and peritrigonal white matter. The variant is not reported in the 1000 genomes, dbSNP, ExAC databases. In-silico prediction of the variant is disease causing by SIFT, PolyPhen2, PROVEAN, FATHMM and MutationTaster. In summary, the p.M211T variant meets our criteria to be classified as likely pathogenic.

NM_000161.3(GCH1):c.632T>C (p.Met211Thr)

Gene: GCH1 (GTP cyclohydrolase 1; minus strand). Cytogenetic location: 14q22.2.
Variant type: single nucleotide variant.
Coding change: c.632T>C on transcript NM_000161.3 (MANE Select); coding-DNA position 632, T replaced by C.
Protein change: p.Met211Thr; replaces methionine 211 with threonine.
Molecular consequence: missense variant. On other transcripts: intron variant (2).
Genome position (GRCh38, 1-based): chr14:54,844,138, A>G on the plus strand (T>C on the coding strand, the complement: GCH1 is on the minus strand). VCF-style: chr14-54844138-A-G. GRCh37 (hg19) VCF-style: chr14-55310856-A-G.
Other names: c.632T>C, p.Met211Thr (NM_001024024.2); c.627-1084T>C (NM_001024071.2); c.627-269T>C (NM_001024070.2); short protein forms M211T.
Identifiers: ClinVar variation 635002 (VCV000635002.3), dbSNP rs1566658823, ClinGen allele CA389787235.